The following is an entry in ClinVar:

ClinVar aggregate classification (germline): Benign/Likely benign. Review status: criteria provided, multiple submitters, no conflicts (2 of 4 stars). 3 submissions from 3 submitters: Benign (1); Likely benign (2). Last evaluated 2025-03-03.

Conditions:
Pheochromocytoma/paraganglioma syndrome 5. Also called: Paragangliomas 5; SDHA-Related Hereditary Paraganglioma-Pheochromocytoma Syndrome. Identifiers: Orphanet 29072, MedGen C3279992, MONDO:0013602, OMIM 614165.
Hereditary cancer-predisposing syndrome. Also called: Tumor predisposition; Hereditary neoplastic syndrome; Neoplastic Syndromes, Hereditary; Hereditary Cancer Syndrome. Identifiers: Orphanet 140162, MedGen C0027672, MeSH D009386, MONDO:0015356.
Mitochondrial complex II deficiency, nuclear type 1. Also called: SUCCINATE CoQ REDUCTASE DEFICIENCY. Identifiers: Orphanet 3208, MedGen C5700310, MONDO:0100294, OMIM 252011.

Submissions (3):

Myriad Genetics, Inc.
Classification: Benign for Pheochromocytoma/paraganglioma syndrome 5. Last evaluated: 2025-03-03. Review status: criteria provided, single submitter. Criteria: Myriad Autosomal Dominant, Autosomal Recessive and X-Linked Classification Criteria (2023). Collection method: clinical testing. Allele origin: unknown.
Comment: This variant is considered benign. This variant is a silent/synonymous amino acid change and it is not expected to impact splicing.

Ambry Genetics
Classification: Likely benign for Hereditary cancer-predisposing syndrome. Last evaluated: 2022-06-18. Review status: criteria provided, single submitter. Criteria: Ambry Variant Classification Scheme 2023. Collection method: clinical testing. Allele origin: germline.

Labcorp Genetics (formerly Invitae), Labcorp
Classification: Likely benign for Pheochromocytoma/paraganglioma syndrome 5; Mitochondrial complex II deficiency, nuclear type 1. Last evaluated: 2019-01-14. Review status: criteria provided, single submitter. Criteria: Invitae Variant Classification Sherloc (09022015). Collection method: clinical testing. Allele origin: germline.

NM_004168.4(SDHA):c.846G>A (p.Arg282=)

Gene: SDHA (succinate dehydrogenase complex flavoprotein subunit A; plus strand). Cytogenetic location: 5p15.33.
Variant type: single nucleotide variant.
Coding change: c.846G>A on transcript NM_004168.4 (MANE Select); coding-DNA position 846, G replaced by A.
Protein change: p.Arg282=; no amino-acid change (arginine 282 retained).
Molecular consequence: synonymous variant.
Genome position (GRCh38, 1-based): chr5:230,951, G>A. VCF-style: chr5-230951-G-A. GRCh37 (hg19) VCF-style: chr5-231066-G-A.
Other names: c.702G>A, p.Arg234= (NM_001294332.2); c.846G>A, p.Arg282= (NM_001330758.2).
Identifiers: ClinVar variation 797962 (VCV000797962.14), dbSNP rs1579397464, ClinGen allele CA442691507.